The following is an entry in ClinVar:

NM_024407.5(NDUFS7):c.54-19G>A

Gene: NDUFS7 (NADH:ubiquinone oxidoreductase core subunit S7; plus strand). Cytogenetic location: 19p13.3.
Variant type: single nucleotide variant.
Coding change: c.54-19G>A on transcript NM_024407.5 (MANE Select); 19 bases into the intron before coding-DNA position 54, G replaced by A.
Molecular consequence: intron variant.
Genome position (GRCh38, 1-based): chr19:1,388,506, G>A. VCF-style: chr19-1388506-G-A. GRCh37 (hg19) VCF-style: chr19-1388505-G-A.
Other names: c.54-19G>A (NM_001363602.2).
Identifiers: ClinVar variation 514399 (VCV000514399.11), dbSNP rs562814009, ClinGen allele CA9043051.
Genomic context (GRCh38, chr19:1,388,506, plus strand): 5'-GGCAGGACAACAGTGAGTGCGGCTGGGGGAGCTGGAGGGGCCTGGGACAGCCACTGACCC[G>A]CGTTCCATCTCCCGGCAGCTCCAGCGTGGGCCCGGCTGTGCAGGCACGAGGTGTCCATCA-3'

ClinVar aggregate classification (germline): Benign/Likely benign. Review status: criteria provided, multiple submitters, no conflicts (2 of 4 stars). 4 submissions from 4 submitters: Benign (1); Likely benign (3). Last evaluated 2026-01-26.

Conditions:
Mitochondrial complex I deficiency, nuclear type 3. Also called: Mitochondrial complex 1 deficiency, nuclear type 3. Identifiers: MedGen C4748752, MONDO:0032608, OMIM 618224.

Allele frequency attached by ClinVar (database versions not stated): gnomAD 0.00001 and 0.00019; TOPMed 0.00003; ExAC 0.00077; 1000 Genomes Project 30x 0.00187; 1000 Genomes Project 0.00200.
gnomAD v4.1: 492 of 1,610,192 alleles (0.031%); highest among the groups gnomAD compares: South Asian, 0.51%; 3 homozygotes.

Submissions (4):

Labcorp Genetics (formerly Invitae), Labcorp
Classification: Benign. Last evaluated: 2026-01-26. Review status: criteria provided, single submitter. Criteria: Invitae Variant Classification Sherloc (09022015). Collection method: clinical testing. Allele origin: germline.

Blueprint Genetics
Classification: Likely benign. Last evaluated: 2024-08-30. Review status: criteria provided, single submitter. Criteria: ACMG Guidelines, 2015. Collection method: clinical testing. Allele origin: germline.

Fulgent Genetics
Classification: Likely benign for Mitochondrial complex I deficiency, nuclear type 3. Last evaluated: 2022-04-29. Review status: criteria provided, single submitter. Criteria: ACMG Guidelines, 2015. Collection method: clinical testing. Allele origin: unknown.

GeneDx
Classification: Likely benign. Last evaluated: 2018-01-04. Review status: criteria provided, single submitter. Criteria: GeneDx Variant Classification (06012015). Collection method: clinical testing. Allele origin: germline. Affected: yes.
Comment: This variant is considered likely benign or benign based on one or more of the following criteria: it is a conservative change, it occurs at a poorly conserved position in the protein, it is predicted to be benign by multiple in silico algorithms, and/or has population frequency not consistent with disease.